The following is an entry in ClinVar:

NM_001204.7(BMPR2):c.*4905C>A

Gene: BMPR2 (bone morphogenetic protein receptor type 2; plus strand). Cytogenetic location: 2q33.2.
Variant type: single nucleotide variant.
Coding change: c.*4905C>A on transcript NM_001204.7 (MANE Select); 4905 bases downstream of the stop codon, C replaced by A.
Molecular consequence: 3 prime UTR variant.
Genome position (GRCh38, 1-based): chr2:202,564,851, C>A. VCF-style: chr2-202564851-C-A. GRCh37 (hg19) VCF-style: chr2-203429574-C-A.
Other names: c.*4905C>A (LRG_712t1).
Identifiers: ClinVar variation 333700 (VCV000333700.5), dbSNP rs536174992, ClinGen allele CA10612529.

ClinVar aggregate classification (germline): Benign (1 of 4 stars; one submission).

Conditions:
Pulmonary hypertension, primary, 1 (PPH1). Also called: Pulmonary hypertension, familial primary, 1, with or without HHT. Identifiers: Orphanet 422, MedGen C4552070, MONDO:0024533, OMIM 178600.

Allele frequency attached by ClinVar (database versions not stated): 1000 Genomes Project 0.00040; 1000 Genomes Project 30x 0.00031; TOPMed 0.00001; gnomAD 0.00003 and below 0.00001.

Submission:

Illumina Laboratory Services, Illumina
Classification: Benign for Pulmonary hypertension, primary, 1. Last evaluated: 2018-01-13. Review status: criteria provided, single submitter. Criteria: ICSL Variant Classification Criteria 13 December 2019. Collection method: clinical testing. Allele origin: germline.
Comment: This variant was observed in the ICSL laboratory as part of a predisposition screen in an ostensibly healthy population. It had not been previously curated by ICSL or reported in the Human Gene Mutation Database (HGMD: prior to June 1st, 2018), and was therefore a candidate for classification through an automated scoring system. Utilizing variant allele frequency, disease prevalence and penetrance estimates, and inheritance mode, an automated score was calculated to assess if this variant is too frequent to cause the disease. Based on the score and internal cut-off values, a variant classified as benign is not then subjected to further curation. The score for this variant resulted in a classification of benign for this disease.